The following is an entry in ClinVar:

ClinVar aggregate classification (germline): Pathogenic (1 of 4 stars; one submission).

Conditions:
X-linked Alport syndrome (ATS1). Also called: NEPHROPATHY AND DEAFNESS, X-LINKED; COL4A5-Related Nephropathy. Identifiers: Orphanet 63, Orphanet 88917, MedGen C4746986, MONDO:0010520, OMIM 301050.

Submission:

MVZ Medizinische Genetik Mainz
Classification: Pathogenic for X-linked Alport syndrome. Last evaluated: 2026-09-15. Review status: criteria provided, single submitter. Criteria: UK Practice Guidelines For Variant Classification V4 01 2020. Collection method: clinical testing. Allele origin: germline. Inheritance: X-linked dominant inheritance. Affected: yes. Observed: 1 variant allele.
Comment: ACMG Criteria: PM1_STR,PM2_SUP,PM5_SUP,PP3

NM_033380.3(COL4A5):c.2642G>A (p.Gly881Glu)

Gene: COL4A5 (collagen type IV alpha 5 chain; plus strand). Cytogenetic location: Xq22.3.
Variant type: single nucleotide variant.
Coding change: c.2642G>A on transcript NM_033380.3 (MANE Select); coding-DNA position 2642, G replaced by A.
Protein change: p.Gly881Glu; replaces glycine 881 with glutamic acid.
Molecular consequence: missense variant.
Genome position (GRCh38, 1-based): chrX:108,620,391, G>A. VCF-style: chrX-108620391-G-A. GRCh37 (hg19) VCF-style: chrX-107863621-G-A.
Other names: c.2642G>A, p.Gly881Glu (NM_000495.5); short protein forms G881E.
Identifiers: ClinVar variation 4852359 (VCV004852359.2).